The following is an entry in ClinVar:

ClinVar aggregate classification (germline): Uncertain significance (1 of 4 stars; one submission).

Allele frequency attached by ClinVar (database versions not stated): gnomAD exomes below 0.00001.
gnomAD v4.1: 2 of 1,611,176 alleles (0.00012%); highest among the groups gnomAD compares: Non-Finnish European, 0.00017%; no homozygotes.

Submission:

Ambry Genetics
Classification: Uncertain significance. Last evaluated: 2022-05-07. Review status: criteria provided, single submitter. Criteria: Ambry Variant Classification Scheme 2023. Collection method: clinical testing. Allele origin: germline.
Comment: The p.F2823C variant (also known as c.8468T>G), located in coding exon 62 of the PRKDC gene, results from a T to G substitution at nucleotide position 8468. The phenylalanine at codon 2823 is replaced by cysteine, an amino acid with highly dissimilar properties. This amino acid position is conserved. In addition, this alteration is predicted to be tolerated by in silico analysis. Since supporting evidence is limited at this time, the clinical significance of this alteration remains unclear.

NM_006904.7(PRKDC):c.8468T>G (p.Phe2823Cys)

Gene: PRKDC (protein kinase, DNA-activated, catalytic subunit; minus strand). Cytogenetic location: 8q11.21.
Variant type: single nucleotide variant.
Coding change: c.8468T>G on transcript NM_006904.7 (MANE Select); coding-DNA position 8468, T replaced by G.
Protein change: p.Phe2823Cys; replaces phenylalanine 2823 with cysteine.
Molecular consequence: missense variant.
Genome position (GRCh38, 1-based): chr8:47,828,277, A>C on the plus strand (T>G on the coding strand, the complement: PRKDC is on the minus strand). VCF-style: chr8-47828277-A-C. GRCh37 (hg19) VCF-style: chr8-48740838-A-C.
Other names: c.8468T>G, p.Phe2823Cys (NM_001081640.2); short protein forms F2823C.
Identifiers: ClinVar variation 1763478 (VCV001763478.2), dbSNP rs2551866360, ClinGen allele CA371144525.